The following is an entry in ClinVar:

ClinVar aggregate classification (germline): Likely benign. Review status: criteria provided, multiple submitters, no conflicts (2 of 4 stars). 2 submissions from 2 submitters: Likely benign (2). Last evaluated 2026-01-02.

Allele frequency attached by ClinVar (database versions not stated): ExAC 0.00007; ESP Exome Variant Server 0.00008; gnomAD exomes 0.00010 and 0.00015; TOPMed 0.00010; gnomAD 0.00012 and 0.00013.
gnomAD v4.1: 237 of 1,613,998 alleles (0.015%); highest among the groups gnomAD compares: Non-Finnish European, 0.019%; no homozygotes.

Submissions (2):

Labcorp Genetics (formerly Invitae), Labcorp
Classification: Likely benign. Last evaluated: 2026-01-02. Review status: criteria provided, single submitter. Criteria: Invitae Variant Classification Sherloc (09022015). Collection method: clinical testing. Allele origin: germline.

GeneDx
Classification: Likely benign. Last evaluated: 2017-07-10. Review status: criteria provided, single submitter. Criteria: GeneDx Variant Classification (06012015). Collection method: clinical testing. Allele origin: germline. Affected: yes.
Comment: This variant is considered likely benign or benign based on one or more of the following criteria: it is a conservative change, it occurs at a poorly conserved position in the protein, it is predicted to be benign by multiple in silico algorithms, and/or has population frequency not consistent with disease.

NM_004544.4(NDUFA10):c.548-15T>C

Gene: NDUFA10 (NADH:ubiquinone oxidoreductase subunit A10; minus strand). Cytogenetic location: 2q37.3.
Variant type: single nucleotide variant.
Coding change: c.548-15T>C on transcript NM_004544.4 (MANE Select); 15 bases into the intron before coding-DNA position 548, T replaced by C.
Molecular consequence: intron variant.
Genome position (GRCh38, 1-based): chr2:240,014,875, A>G on the plus strand (T>C on the coding strand, the complement: NDUFA10 is on the minus strand). VCF-style: chr2-240014875-A-G. GRCh37 (hg19) VCF-style: chr2-240954292-A-G.
Other names: c.548-15T>C (NM_001322020.2, NM_001322019.2).
Identifiers: ClinVar variation 384583 (VCV000384583.4), dbSNP rs367815275, ClinGen allele CA2200961.
Genomic context (GRCh38, chr2:240,014,875, plus strand): 5'-TAATCGCAGATGGTGACGCTCTTCACCTCGTTGTAGTGGTCCACACCTGGCACATAGGAG[A>G]AAGGGGCGCTGTCACCTACCAGTCCCCACACGGGTTTCCAAAACACACTCCTCCTTGAAT-3'